The following is an entry in ClinVar:

ClinVar aggregate classification (germline): Likely benign. Review status: criteria provided, multiple submitters, no conflicts (2 of 4 stars). 2 submissions from 2 submitters: Likely benign (2). Last evaluated 2026-01-07.

Allele frequency attached by ClinVar (database versions not stated): gnomAD 0.00001; gnomAD exomes 0.00001; TOPMed 0.00001; ESP Exome Variant Server 0.00008.
gnomAD v4.1: 20 of 1,613,504 alleles (0.0012%); highest among the groups gnomAD compares: Non-Finnish European, 0.0017%; no homozygotes.

Submissions (2):

Labcorp Genetics (formerly Invitae), Labcorp
Classification: Likely benign. Last evaluated: 2026-01-07. Review status: criteria provided, single submitter. Criteria: Invitae Variant Classification Sherloc (09022015). Collection method: clinical testing. Allele origin: germline.

CeGaT Center for Human Genetics Tuebingen
Classification: Likely benign. Last evaluated: 2025-10-01. Review status: criteria provided, single submitter. Criteria: CeGaT Center For Human Genetics Tuebingen Variant Classification Criteria Version 2. Collection method: clinical testing. Allele origin: germline. Affected: yes. Observed: 1 variant allele.
Comment: KAT6A: BP4

NM_006766.5(KAT6A):c.3410C>T (p.Pro1137Leu)

Gene: KAT6A (lysine acetyltransferase 6A; minus strand). Cytogenetic location: 8p11.21.
Variant type: single nucleotide variant.
Coding change: c.3410C>T on transcript NM_006766.5 (MANE Select); coding-DNA position 3410, C replaced by T.
Protein change: p.Pro1137Leu; replaces proline 1137 with leucine.
Molecular consequence: missense variant.
Genome position (GRCh38, 1-based): chr8:41,934,810, G>A on the plus strand (C>T on the coding strand, the complement: KAT6A is on the minus strand). VCF-style: chr8-41934810-G-A. GRCh37 (hg19) VCF-style: chr8-41792328-G-A.
Other names: short protein forms P1137L.
Identifiers: ClinVar variation 2957481 (VCV002957481.9), dbSNP rs143316311, ClinGen allele CA175940259.
Genomic context (GRCh38, chr8:41,934,810, plus strand): 5'-CTCTTGCCTTTGGGCCATCCCTTTTTCTTTTTCAAAGGTGTGGATGTATCTGGCTCAAGA[G>A]GAGAATTCTTCACATCACGTTTTCGCAAAAGAGATACTGGCTTTAAGATAGGAGTGTCTA-3'
Protein context (NP_006757.2, residues 1127-1147): LLRKRDVKNS[Pro1137Leu]LEPDTSTPLK